The following is an entry in ClinVar:

NM_004006.3(DMD):c.5347T>A (p.Leu1783Met)

Gene: DMD (dystrophin; minus strand). Cytogenetic location: Xp21.1.
Variant type: single nucleotide variant.
Coding change: c.5347T>A on transcript NM_004006.3 (MANE Select); coding-DNA position 5347, T replaced by A.
Protein change: p.Leu1783Met; replaces leucine 1783 with methionine.
Molecular consequence: missense variant.
Genome position (GRCh38, 1-based): chrX:32,348,507, A>T on the plus strand (T>A on the coding strand, the complement: DMD is on the minus strand). VCF-style: chrX-32348507-A-T. GRCh37 (hg19) VCF-style: chrX-32366624-A-T.
Other names: c.5323T>A, p.Leu1775Met (NM_000109.4); c.5335T>A, p.Leu1779Met (NM_004009.3); c.4978T>A, p.Leu1660Met (NM_004010.3); c.1324T>A, p.Leu442Met (NM_004011.4); c.1315T>A, p.Leu439Met (NM_004012.4); short protein forms L1783M, L439M, L1779M, L442M, L1660M, L1775M.
Identifiers: ClinVar variation 4750610 (VCV004750610.1).

ClinVar aggregate classification (germline): Uncertain significance (1 of 4 stars; one submission).

Conditions:
Duchenne muscular dystrophy (DMD). Also called: MUSCULAR DYSTROPHY, PSEUDOHYPERTROPHIC PROGRESSIVE, DUCHENNE TYPE; Duchenne Muscular Dystrophy (DMD). Identifiers: Orphanet 98896, MedGen C0013264, MONDO:0010679, OMIM 310200.

gnomAD v4.1: 5 of 1,204,595 alleles (0.00042%); highest among the groups gnomAD compares: Non-Finnish European, 0.00045%; no homozygotes.

Submission:

Labcorp Genetics (formerly Invitae), Labcorp
Classification: Uncertain significance for Duchenne muscular dystrophy. Last evaluated: 2025-11-09. Review status: criteria provided, single submitter. Criteria: Invitae Variant Classification Sherloc (09022015). Collection method: clinical testing. Allele origin: germline.
Comment: This sequence change replaces leucine, which is neutral and non-polar, with methionine, which is neutral and non-polar, at codon 1783 of the DMD protein (p.Leu1783Met). This variant is present in population databases (no rsID available, gnomAD no frequency). This variant has not been reported in the literature in individuals affected with DMD-related conditions. Invitae Evidence Modeling of protein sequence and biophysical properties (such as structural, functional, and spatial information, amino acid conservation, physicochemical variation, residue mobility, and thermodynamic stability) indicates that this missense variant is not expected to disrupt DMD protein function with a negative predictive value of 95%. In summary, the available evidence is currently insufficient to determine the role of this variant in disease. Therefore, it has been classified as a Variant of Uncertain Significance.